The following is an entry in ClinVar:

NM_003738.5(PTCH2):c.1309G>T (p.Val437Leu)

Gene: PTCH2 (patched 2; minus strand). Cytogenetic location: 1p34.1.
Variant type: single nucleotide variant.
Coding change: c.1309G>T on transcript NM_003738.5 (MANE Select); coding-DNA position 1309, G replaced by T.
Protein change: p.Val437Leu; replaces valine 437 with leucine.
Molecular consequence: missense variant.
Genome position (GRCh38, 1-based): chr1:44,829,219, C>A on the plus strand (G>T on the coding strand, the complement: PTCH2 is on the minus strand). VCF-style: chr1-44829219-C-A. GRCh37 (hg19) VCF-style: chr1-45294891-C-A.
Other names: c.1309G>T, p.Val437Leu (NM_001166292.2); short protein forms V437L.
Identifiers: ClinVar variation 3709613 (VCV003709613.2).
Genomic context (GRCh38, chr1:44,829,219, plus strand): 5'-GGGTAGTGGCAGCATTGAAGGTGATGCCGAGCAGGGCACAGAGCCCAAGGCCTGAGGCCA[C>A]CGCCAGGGCCACCAGCAGTACCCCGGCAAGGCCCACGGAACCCTGGGACTGGGCGCAGTC-3'
Protein context (NP_003729.3, residues 427-447): LAGVLLVALA[Val437Leu]ASGLGLCALL

ClinVar aggregate classification (germline): Uncertain significance (1 of 4 stars; one submission).

Conditions:
Gorlin syndrome. Also called: Nevoid Basal Cell Carcinoma Syndrome; Basal cell nevus syndrome. Identifiers: Orphanet 377, MedGen C0004779, MONDO:0007187.

gnomAD v4.1: 6 of 1,613,532 alleles (0.00037%); highest among the groups gnomAD compares: South Asian, 0.0066%; no homozygotes.

Submission:

Labcorp Genetics (formerly Invitae), Labcorp
Classification: Uncertain significance for Gorlin syndrome. Last evaluated: 2025-10-06. Review status: criteria provided, single submitter. Criteria: Invitae Variant Classification Sherloc (09022015). Collection method: clinical testing. Allele origin: germline.
Comment: This sequence change replaces valine, which is neutral and non-polar, with leucine, which is neutral and non-polar, at codon 437 of the PTCH2 protein (p.Val437Leu). This variant is present in population databases (rs757860248, gnomAD 0.003%). This variant has not been reported in the literature in individuals affected with PTCH2-related conditions. ClinVar contains an entry for this variant (Variation ID: 3709613). Invitae Evidence Modeling of protein sequence and biophysical properties (such as structural, functional, and spatial information, amino acid conservation, physicochemical variation, residue mobility, and thermodynamic stability) has been performed for this missense variant. However, the output from this modeling did not meet the statistical confidence thresholds required to predict the impact of this variant on PTCH2 protein function. In summary, the available evidence is currently insufficient to determine the role of this variant in disease. Therefore, it has been classified as a Variant of Uncertain Significance.